The following is an entry in ClinVar:

ClinVar aggregate classification (germline): Likely benign (0 of 4 stars; one submission).

Conditions:
ODAD4-related disorder. Also called: ODAD4-related condition.

gnomAD v4.1: 29 of 1,613,844 alleles (0.0018%); highest among the groups gnomAD compares: Admixed American, 0.038%; no homozygotes.

Submission:

PreventionGenetics, part of Exact Sciences
Classification: Likely benign for ODAD4-related condition. Last evaluated: 2019-06-25. Review status: no assertion criteria provided. Collection method: clinical testing. Allele origin: germline.
Comment: This variant is classified as likely benign based on ACMG/AMP sequence variant interpretation guidelines (Richards et al. 2015 PMID: 25741868, with internal and published modifications).

NM_031421.5(ODAD4):c.535G>T (p.Ala179Ser)

Gene: ODAD4 (outer dynein arm docking complex subunit 4; plus strand). Cytogenetic location: 17q21.2.
Variant type: single nucleotide variant.
Coding change: c.535G>T on transcript NM_031421.5 (MANE Select); coding-DNA position 535, G replaced by T.
Protein change: p.Ala179Ser; replaces alanine 179 with serine.
Molecular consequence: missense variant. On other transcripts: non-coding transcript variant (3).
Genome position (GRCh38, 1-based): chr17:41,936,837, G>T. VCF-style: chr17-41936837-G-T. GRCh37 (hg19) VCF-style: chr17-40093090-G-T.
Other names: c.535G>T, p.Ala179Ser (NM_001350319.2); short protein forms A179S.
Identifiers: ClinVar variation 3033786 (VCV003033786.2), dbSNP rs782030532, ClinGen allele CA8569042.
Genomic context (GRCh38, chr17:41,936,837, plus strand): 5'-CAGAAGCCTCAGCCCATGAAACACCTCTTACACCCCACCAAGGGAGAGCCCAAGTGGAAG[G>T]CCTCGCTCAAGAGTGAGAAGACTGTCCGCCAGCTTCTGGGGGAGCTCTACGTGGACAAAG-3'
Protein context (NP_113609.1, residues 169-189): HPTKGEPKWK[Ala179Ser]SLKSEKTVRQ